The following is an entry in ClinVar:

ClinVar aggregate classification (germline): Uncertain significance. Review status: criteria provided, multiple submitters, no conflicts (2 of 4 stars). 2 submissions from 2 submitters: Uncertain significance (2). Last evaluated 2022-07-18.

Conditions:
Deficiency of alpha-mannosidase (MANSA). Also called: LYSOSOMAL ALPHA-D-MANNOSIDASE DEFICIENCY; Alpha-Mannosidosis; Mannosidosis, alpha-, types I and II. Identifiers: Orphanet 61, MedGen C0024748, MONDO:0009561, OMIM 248500.

Allele frequency attached by ClinVar (database versions not stated): ExAC 0.00001; gnomAD exomes 0.00001 and 0.00002; gnomAD 0.00002; TOPMed 0.00002; ESP Exome Variant Server 0.00008.

Submissions (2):

Labcorp Genetics (formerly Invitae), Labcorp
Classification: Uncertain significance for Deficiency of alpha-mannosidase. Last evaluated: 2022-07-18. Review status: criteria provided, single submitter. Criteria: Invitae Variant Classification Sherloc (09022015). Collection method: clinical testing. Allele origin: germline.
Comment: This sequence change replaces glycine, which is neutral and non-polar, with serine, which is neutral and polar, at codon 485 of the MAN2B1 protein (p.Gly485Ser). This variant is present in population databases (rs377509266, gnomAD 0.004%). This variant has not been reported in the literature in individuals affected with MAN2B1-related conditions. ClinVar contains an entry for this variant (Variation ID: 891187). Algorithms developed to predict the effect of missense changes on protein structure and function (SIFT, PolyPhen-2, Align-GVGD) all suggest that this variant is likely to be tolerated. In summary, the available evidence is currently insufficient to determine the role of this variant in disease. Therefore, it has been classified as a Variant of Uncertain Significance.

Illumina Laboratory Services, Illumina
Classification: Uncertain significance for Deficiency of alpha-mannosidase. Last evaluated: 2018-01-12. Review status: criteria provided, single submitter. Criteria: ICSL Variant Classification Criteria 13 December 2019. Collection method: clinical testing. Allele origin: germline.

NM_000528.4(MAN2B1):c.1453G>A (p.Gly485Ser)

Gene: MAN2B1 (mannosidase alpha class 2B member 1; minus strand). Cytogenetic location: 19p13.13.
Variant type: single nucleotide variant.
Coding change: c.1453G>A on transcript NM_000528.4 (MANE Select); coding-DNA position 1453, G replaced by A.
Protein change: p.Gly485Ser; replaces glycine 485 with serine.
Molecular consequence: missense variant.
Genome position (GRCh38, 1-based): chr19:12,657,023, C>T on the plus strand (G>A on the coding strand, the complement: MAN2B1 is on the minus strand). VCF-style: chr19-12657023-C-T. GRCh37 (hg19) VCF-style: chr19-12767837-C-T.
Other names: c.1450G>A, p.Gly484Ser (NM_001173498.2); short protein forms G484S, G485S.
Identifiers: ClinVar variation 891187 (VCV000891187.5), dbSNP rs377509266, ClinGen allele CA9226432.